The following is an entry in ClinVar:

NM_005228.5(EGFR):c.434A>T (p.His145Leu)

Gene: EGFR (epidermal growth factor receptor; plus strand). Cytogenetic location: 7p11.2.
Variant type: single nucleotide variant.
Coding change: c.434A>T on transcript NM_005228.5 (MANE Select); coding-DNA position 434, A replaced by T.
Protein change: p.His145Leu; replaces histidine 145 with leucine.
Molecular consequence: missense variant. On other transcripts: intron variant (3).
Genome position (GRCh38, 1-based): chr7:55,146,615, A>T. VCF-style: chr7-55146615-A-T. GRCh37 (hg19) VCF-style: chr7-55214308-A-T.
Other names: c.434A>T, p.His145Leu (NM_001346898.2, NM_201282.2, NM_201283.2 and 1 more transcripts); c.275A>T, p.His92Leu (NM_001346900.2); c.424+3127A>T (NM_001346899.2, NM_001346897.2); c.89-9215A>T (NM_001346941.2); short protein forms H145L, H92L.
Identifiers: ClinVar variation 2859360 (VCV002859360.4), dbSNP rs780476417, ClinGen allele CA367576482.

ClinVar aggregate classification (germline): Conflicting classifications of pathogenicity. Review status: criteria provided, conflicting classifications (1 of 4 stars). 2 submissions from 2 submitters: Uncertain significance (1); Likely benign (1). Last evaluated 2026-07-10.

Conditions:
EGFR-related lung cancer (EGFR). Identifiers: MedGen CN130014.
Hereditary cancer-predisposing syndrome. Also called: Hereditary Cancer Syndrome; Hereditary neoplastic syndrome; Neoplastic Syndromes, Hereditary; Tumor predisposition. Identifiers: Orphanet 140162, MedGen C0027672, MeSH D009386, MONDO:0015356.

Submissions (2):

Ambry Genetics
Classification: Likely benign for Hereditary cancer-predisposing syndrome. Last evaluated: 2026-07-10. Review status: criteria provided, single submitter. Criteria: Ambry Variant Classification Scheme 2023. Collection method: clinical testing. Allele origin: germline.

Labcorp Genetics (formerly Invitae), Labcorp
Classification: Uncertain significance for EGFR-related lung cancer. Last evaluated: 2023-06-02. Review status: criteria provided, single submitter. Criteria: Invitae Variant Classification Sherloc (09022015). Collection method: clinical testing. Allele origin: germline.
Comment: In summary, the available evidence is currently insufficient to determine the role of this variant in disease. Therefore, it has been classified as a Variant of Uncertain Significance. An algorithm developed to predict the effect of missense changes on protein structure and function (PolyPhen-2) suggests that this variant is likely to be tolerated. This variant has not been reported in the literature in individuals affected with EGFR-related conditions. This variant is not present in population databases (gnomAD no frequency). This sequence change replaces histidine, which is basic and polar, with leucine, which is neutral and non-polar, at codon 145 of the EGFR protein (p.His145Leu).